The following is an entry in ClinVar:

ClinVar aggregate classification (germline): Uncertain significance (1 of 4 stars; one submission).

Conditions:
Familial cancer of breast. Also called: Hereditary breast cancer; hereditary breast carcinoma; BREAST CANCER, FAMILIAL. Identifiers: Orphanet 227535, MedGen C0346153, MONDO:0016419, OMIM 114480. Disease mechanism: loss of function.

Submission:

Labcorp Genetics (formerly Invitae), Labcorp
Classification: Uncertain significance for Familial cancer of breast. Last evaluated: 2022-09-20. Review status: criteria provided, single submitter. Criteria: Invitae Variant Classification Sherloc (09022015). Collection method: clinical testing. Allele origin: germline.
Comment: In summary, the available evidence is currently insufficient to determine the role of this variant in disease. Therefore, it has been classified as a Variant of Uncertain Significance. Algorithms developed to predict the effect of missense changes on protein structure and function are either unavailable or do not agree on the potential impact of this missense change (SIFT: "Deleterious"; PolyPhen-2: "Probably Damaging"; Align-GVGD: "Class C0"). ClinVar contains an entry for this variant (Variation ID: 1461684). This variant has not been reported in the literature in individuals affected with CHEK2-related conditions. This variant is not present in population databases (gnomAD no frequency). This sequence change replaces glycine, which is neutral and non-polar, with aspartic acid, which is acidic and polar, at codon 342 of the CHEK2 protein (p.Gly342Asp).

NM_007194.4(CHEK2):c.1025G>A (p.Gly342Asp)

Gene: CHEK2 (checkpoint kinase 2; minus strand). Cytogenetic location: 22q12.1.
Variant type: single nucleotide variant.
Coding change: c.1025G>A on transcript NM_007194.4 (MANE Select); coding-DNA position 1025, G replaced by A.
Protein change: p.Gly342Asp; replaces glycine 342 with aspartic acid.
Molecular consequence: missense variant. On other transcripts: intron variant (3).
Genome position (GRCh38, 1-based): chr22:28,696,971, C>T on the plus strand (G>A on the coding strand, the complement: CHEK2 is on the minus strand). VCF-style: chr22-28696971-C-T. GRCh37 (hg19) VCF-style: chr22-29092959-C-T.
Other names: c.1154G>A, p.Gly385Asp (NM_001005735.3); c.362G>A, p.Gly121Asp (NM_001257387.3, NM_001437942.1); c.824G>A, p.Gly275Asp (NM_001349956.3); c.1118G>A, p.Gly373Asp (NM_001438293.1); c.1009-1098G>A (NM_145862.3); c.1102-1098G>A (NM_001438295.1); c.1138-1098G>A (NM_001438294.1); short protein forms G342D, G275D, G385D, G121D, G373D.
Identifiers: ClinVar variation 1461684 (VCV001461684.7), dbSNP rs1555914358, ClinGen allele CA411097782.
Genomic context (GRCh38, chr22:28,696,971, plus strand): 5'-CAGTCCTCTTCTTGAGATGACAGTAAAACATTCTCTGGCTTTAAGTCACGGTGTATAATA[C>T]CGTTTTCATGAAGGTACTACACAGAAAGGCAGGCATGACCCTCAGATTCATGCAGTAGAT-3'
Protein context (NP_009125.1, residues 332-352): LLAVQYLHEN[Gly342Asp]IIHRDLKPEN